The following is an entry in ClinVar:

NM_000263.4(NAGLU):c.1083G>C (p.Trp361Cys)

Gene: NAGLU (N-acetyl-alpha-glucosaminidase; plus strand). Cytogenetic location: 17q21.2.
Variant type: single nucleotide variant.
Coding change: c.1083G>C on transcript NM_000263.4 (MANE Select); coding-DNA position 1083, G replaced by C.
Protein change: p.Trp361Cys; replaces tryptophan 361 with cysteine.
Molecular consequence: missense variant.
Genome position (GRCh38, 1-based): chr17:42,543,089, G>C. VCF-style: chr17-42543089-G-C. GRCh37 (hg19) VCF-style: chr17-40695107-G-C.
Other names: short protein forms W361C.
Identifiers: ClinVar variation 4058302 (VCV004058302.2).

ClinVar aggregate classification (germline): Likely pathogenic (1 of 4 stars; one submission).

Conditions:
Mucopolysaccharidosis, MPS-III-B (MPS3B). Also called: N-ACETYL-ALPHA-D-GLUCOSAMINIDASE DEFICIENCY; NAGLU DEFICIENCY; SANFILIPPO SYNDROME B; MPS III B; MPS IIIB (Sanfilippo Syndrome Type B); MUCOPOLYSACCHARIDOSIS, TYPE IIIB. Identifiers: Orphanet 79270, MedGen C0086648, MONDO:0009656, OMIM 252920.

Submission:

Natera, Inc.
Classification: Likely pathogenic for Mucopolysaccharidosis type IIIB. Last evaluated: 2025-01-04. Review status: criteria provided, single submitter. Criteria: Natera Variant Classification Schema (03/2026). Collection method: clinical testing. Allele origin: germline.
Comment: The c.1083G>C variant in NAGLU is a missense variant predicted to cause substitution of tryptophan to cysteine at amino acid 361. This variant is rare in the general population with a frequency below the threshold expected for the associated phenotype(s). This variant has been observed in one or more individuals affected with the associated recessive disease, as either homozygous or compound heterozygous with a second variant (PMID: 34806811). A different variant at the same position has been determined to be Pathogenic or Likely Pathogenic. Computational prediction algorithms indicate this variant is likely to affect gene or protein function. Given the available evidence, this variant is classified as Likely Pathogenic.

Literature cited by the submitters: PubMed 34806811.